The following is an entry in ClinVar:

NM_001374675.1(HSF4):c.910G>A (p.Glu304Lys)

Gene: HSF4 (heat shock transcription factor 4; plus strand). Cytogenetic location: 16q22.1.
Variant type: single nucleotide variant.
Coding change: c.910G>A on transcript NM_001374675.1 (MANE Select); coding-DNA position 910, G replaced by A.
Protein change: p.Glu304Lys; replaces glutamic acid 304 with lysine.
Molecular consequence: missense variant. On other transcripts: intron variant (2).
Genome position (GRCh38, 1-based): chr16:67,167,775, G>A. VCF-style: chr16-67167775-G-A. GRCh37 (hg19) VCF-style: chr16-67201678-G-A.
Other names: c.910G>A, p.Glu304Lys (NM_001040667.3); c.869-49G>A (NM_001538.4, NM_001374674.1); short protein forms E304K.
Identifiers: ClinVar variation 1049444 (VCV001049444.1), dbSNP rs778828995, ClinGen allele CA8102036.

ClinVar aggregate classification (germline): Uncertain significance (0 of 4 stars; one submission).

Allele frequency attached by ClinVar (database versions not stated): TOPMed 0.00002; gnomAD 0.00003; gnomAD exomes 0.00013; ExAC 0.00015.
gnomAD v4.1: 98 of 1,602,502 alleles (0.0061%); highest among the groups gnomAD compares: South Asian, 0.1%; no homozygotes.

Submission:

Department of Pathology and Laboratory Medicine, Sinai Health System
Classification: Uncertain significance. Review status: no assertion criteria provided. Collection method: clinical testing. Allele origin: unknown. Affected: yes. Study: The Canadian Open Genetics Repository (COGR).
Comment: The HSF4 p.Glu304Lys variant was identified in 1 of 66 proband chromosomes (frequency: 0.0152) from individuals with pediatric cataract (Javadiyan_2018_PMID:29770612). The variant was identified in dbSNP (ID: rs778828995) but was not identified in ClinVar. The variant was identified in control databases in 29 of 223886 chromosomes at a frequency of 0.0001295 (Genome Aggregation Database March 6, 2019, v2.1.1). The variant was observed in the following populations: South Asian in 28 of 29092 chromosomes (freq: 0.000963) and European (non-Finnish) in 1 of 99262 chromosomes (freq: 0.00001), but was not observed in the African, Latino, Ashkenazi Jewish, East Asian, European (Finnish), or Other populations. The p.Glu304 residue is conserved in mammals but not in more distantly related organisms however computational analyses (PolyPhen-2, SIFT, AlignGVGD, BLOSUM, MutationTaster) do not suggest a high likelihood of impact to the protein; this information is not predictive enough to rule out pathogenicity. The variant occurs outside of the splicing consensus sequence and three of four in silico or computational prediction software programs (SpliceSiteFinder, MaxEntScan, NNSPLICE, GeneSplicer) do not predict a greater than 10% difference in splicing; this is not very predictive of pathogenicity. In summary, based on the above information the clinical significance of this variant cannot be determined with certainty at this time. This variant is classified as a variant of uncertain significance.